The following is an entry in ClinVar:

ClinVar aggregate classification (germline): Uncertain significance. Review status: criteria provided, multiple submitters, no conflicts (2 of 4 stars). 3 submissions from 3 submitters: Uncertain significance (3). Last evaluated 2022-07-19.

Conditions:
Autosomal recessive ataxia, Beauce type. Also called: ATAXIA, RECESSIVE, OF BEAUCE; SYNE1-Related Autosomal Recessive Cerebellar Ataxia; Spinocerebellar ataxia, autosomal recessive 8; SYNE1 Deficiency. Identifiers: Orphanet 88644, MedGen C1853116, MONDO:0012549, OMIM 610743.
Emery-Dreifuss muscular dystrophy 4, autosomal dominant (EDMD4). Also called: EMERY-DREIFUSS MUSCULAR DYSTROPHY 4 WITH VARIABLE FEATURES. Identifiers: Orphanet 261, MedGen C2751807, MONDO:0013071, OMIM 612998.

gnomAD v4.1: 4 of 1,613,440 alleles (0.00025%); highest among the groups gnomAD compares: African/African-American, 0.0013%; no homozygotes.

Submissions (3):

Labcorp Genetics (formerly Invitae), Labcorp
Classification: Uncertain significance for Emery-Dreifuss muscular dystrophy 4, autosomal dominant; Autosomal recessive ataxia, Beauce type. Last evaluated: 2022-07-19. Review status: criteria provided, single submitter. Criteria: Invitae Variant Classification Sherloc (09022015). Collection method: clinical testing. Allele origin: germline.
Comment: In summary, the available evidence is currently insufficient to determine the role of this variant in disease. Therefore, it has been classified as a Variant of Uncertain Significance. Algorithms developed to predict the effect of sequence changes on RNA splicing suggest that this variant may create or strengthen a splice site. Algorithms developed to predict the effect of missense changes on protein structure and function are either unavailable or do not agree on the potential impact of this missense change (SIFT: "Deleterious"; PolyPhen-2: "Probably Damaging"; Align-GVGD: "Class C0"). ClinVar contains an entry for this variant (Variation ID: 285077). This variant has not been reported in the literature in individuals affected with SYNE1-related conditions. This variant is not present in population databases (gnomAD no frequency). This sequence change replaces glutamic acid, which is acidic and polar, with lysine, which is basic and polar, at codon 5999 of the SYNE1 protein (p.Glu5999Lys).

Eurofins Ntd Llc (ga)
Classification: Uncertain significance. Last evaluated: 2015-11-30. Review status: criteria provided, single submitter. Criteria: EGL Classification Definitions 2015. Collection method: clinical testing. Allele origin: germline. Observed: 1 variant allele, 1 heterozygote.

Juno Genomics, Hangzhou Juno Genomics, Inc
Classification: Uncertain significance for Autosomal recessive ataxia, Beauce type. Review status: criteria provided, single submitter. Criteria: ACMG Guidelines, 2015. Collection method: clinical testing. Allele origin: germline.
Comment: Absent from controls (or at extremely low frequency if recessive) in Genome Aggregation Database.;Missense variant in a gene that has a low rate of benign missense variation.;Multiple lines of computational evidence suggest no impact on gene or gene product.

NM_182961.4(SYNE1):c.18208G>A (p.Glu6070Lys)

Gene: SYNE1 (spectrin repeat containing nuclear envelope protein 1; minus strand). Cytogenetic location: 6q25.2.
Variant type: single nucleotide variant.
Coding change: c.18208G>A on transcript NM_182961.4 (MANE Select); coding-DNA position 18208, G replaced by A.
Protein change: p.Glu6070Lys; replaces glutamic acid 6070 with lysine.
Molecular consequence: missense variant.
Genome position (GRCh38, 1-based): chr6:152,281,980, C>T on the plus strand (G>A on the coding strand, the complement: SYNE1 is on the minus strand). VCF-style: chr6-152281980-C-T. GRCh37 (hg19) VCF-style: chr6-152603115-C-T.
Other names: c.17995G>A, p.Glu5999Lys (NM_033071.5); short protein forms E5999K, E6070K.
Identifiers: ClinVar variation 285077 (VCV000285077.15), dbSNP rs886043015, ClinGen allele CA10604992.